The following is an entry in ClinVar:

ClinVar aggregate classification (germline): Uncertain significance (1 of 4 stars; one submission).

Submission:

Women's Health and Genetics/Laboratory Corporation of America, LabCorp
Classification: Uncertain significance. Last evaluated: 2026-04-29. Review status: criteria provided, single submitter. Criteria: LabCorp Variant Classification Summary - May 2015. Collection method: clinical testing. Allele origin: germline.
Comment: Variant summary: CILK1 c.605G>A (p.Gly202Glu) results in a non-conservative amino acid change in the encoded protein sequence. Algorithms developed to predict the effect of missense changes on protein structure and function are either unavailable or do not agree on the potential impact of this missense change. The variant was absent in 251436 control chromosomes. The available data on variant occurrences in the general population are insufficient to allow any conclusion about variant significance. To our knowledge, no occurrence of c.605G>A in individuals affected with CILK1-related conditions and no experimental evidence demonstrating its impact on protein function have been reported. No submitters have cited clinical-significance assessments for this variant to ClinVar. Based on the evidence outlined above, the variant was classified as uncertain significance.

NM_014920.5(CILK1):c.605G>A (p.Gly202Glu)

Gene: CILK1 (ciliogenesis associated kinase 1; minus strand). Cytogenetic location: 6p12.1.
Variant type: single nucleotide variant.
Coding change: c.605G>A on transcript NM_014920.5 (MANE Select); coding-DNA position 605, G replaced by A.
Protein change: p.Gly202Glu; replaces glycine 202 with glutamic acid.
Molecular consequence: missense variant. On other transcripts: non-coding transcript variant (1).
Genome position (GRCh38, 1-based): chr6:53,018,388, C>T on the plus strand (G>A on the coding strand, the complement: CILK1 is on the minus strand). VCF-style: chr6-53018388-C-T. GRCh37 (hg19) VCF-style: chr6-52883186-C-T.
Other names: c.605G>A, p.Gly202Glu (NM_001375397.1, NM_001375398.1, NM_001375399.1 and 4 more transcripts); short protein forms G202E.
Identifiers: ClinVar variation 4848535 (VCV004848535.1).
Genomic context (GRCh38, chr6:53,018,388, plus strand): 5'-ACCTTTTTTGGTGTCCCCAGCACTTGGCAAATTTTGAATATTGTGTCAATTTCACTGGCT[C>T]CAGGGAAGAGTGGCCTGAGGGTGTAAACTTCTGCCATGATGCAGCCCACCGCCCAGACGT-3'
Protein context (NP_055735.1, residues 192-212): EVYTLRPLFP[Gly202Glu]ASEIDTIFKI